The following is an entry in ClinVar:

ClinVar aggregate classification (germline): Uncertain significance. Review status: criteria provided, multiple submitters, no conflicts (2 of 4 stars). 2 submissions from 2 submitters: Uncertain significance (2). Last evaluated 2024-12-10.

Conditions:
Inborn genetic diseases. Identifiers: MedGen C0950123, MeSH D030342.

Submissions (2):

Ambry Genetics
Classification: Uncertain significance for Inborn genetic diseases. Last evaluated: 2024-12-10. Review status: criteria provided, single submitter. Criteria: Ambry Variant Classification Scheme 2023. Collection method: clinical testing. Allele origin: germline.

Labcorp Genetics (formerly Invitae), Labcorp
Classification: Uncertain significance. Last evaluated: 2022-03-23. Review status: criteria provided, single submitter. Criteria: Invitae Variant Classification Sherloc (09022015). Collection method: clinical testing. Allele origin: germline.
Comment: This variant has not been reported in the literature in individuals affected with KIAA0753-related conditions. In summary, the available evidence is currently insufficient to determine the role of this variant in disease. Therefore, it has been classified as a Variant of Uncertain Significance. Algorithms developed to predict the effect of sequence changes on RNA splicing suggest that this variant may disrupt the consensus splice site. Algorithms developed to predict the effect of missense changes on protein structure and function are either unavailable or do not agree on the potential impact of this missense change (SIFT: "Deleterious"; PolyPhen-2: "Possibly Damaging"; Align-GVGD: "Class C0"). This variant is present in population databases (no rsID available, gnomAD 0.005%). This sequence change replaces glycine, which is neutral and non-polar, with arginine, which is basic and polar, at codon 602 of the KIAA0753 protein (p.Gly602Arg).

NM_014804.3(KIAA0753):c.1804G>C (p.Gly602Arg)

Gene: KIAA0753 (KIAA0753; minus strand). Cytogenetic location: 17p13.1.
Variant type: single nucleotide variant.
Coding change: c.1804G>C on transcript NM_014804.3 (MANE Select); coding-DNA position 1804, G replaced by C.
Protein change: p.Gly602Arg; replaces glycine 602 with arginine.
Molecular consequence: missense variant. On other transcripts: non-coding transcript variant (3).
Genome position (GRCh38, 1-based): chr17:6,608,373, C>G on the plus strand (G>C on the coding strand, the complement: KIAA0753 is on the minus strand). VCF-style: chr17-6608373-C-G. GRCh37 (hg19) VCF-style: chr17-6511693-C-G.
Other names: c.907G>C, p.Gly303Arg (NM_001351225.2); c.1804G>C (NM_014804.2); short protein forms G602R, G303R.
Identifiers: ClinVar variation 1384679 (VCV001384679.9), dbSNP rs188289710, ClinGen allele CA397408796.